The following is an entry in ClinVar:

NM_000426.4(LAMA2):c.326G>A (p.Trp109Ter)

Gene: LAMA2 (laminin subunit alpha 2; plus strand). Cytogenetic location: 6q22.33.
Variant type: single nucleotide variant.
Coding change: c.326G>A on transcript NM_000426.4 (MANE Select); coding-DNA position 326, G replaced by A.
Protein change: p.Trp109Ter; replaces tryptophan 109 with a stop codon.
Molecular consequence: nonsense.
Genome position (GRCh38, 1-based): chr6:129,059,826, G>A. VCF-style: chr6-129059826-G-A. GRCh37 (hg19) VCF-style: chr6-129380971-G-A.
Other names: c.326G>A, p.Trp109Ter (NM_001079823.2); short protein forms W109*.
Identifiers: ClinVar variation 3251967 (VCV003251967.1), dbSNP rs764625508.

ClinVar aggregate classification (germline): Likely pathogenic (1 of 4 stars; one submission).

Conditions:
Merosin deficient congenital muscular dystrophy (MDC1A). Also called: Congenital merosin-deficient muscular dystrophy 1A; Congenital Muscular Dystrophy Type 1A (MDC1A). Identifiers: Orphanet 258, MedGen C1263858, MONDO:0011925, OMIM 607855.

Submission:

Diagnostics Services (NGS), CSIR - Centre For Cellular And Molecular Biology
Classification: Likely pathogenic for Merosin deficient congenital muscular dystrophy. Last evaluated: 2024-04-05. Review status: criteria provided, single submitter. Criteria: ACMG Guidelines, 2015. Collection method: clinical testing. Allele origin: germline. Affected: yes. Observed: 1 variant allele, 1 homozygote.
Comment: The c.326G>A variant is not present in publicly available population databases like 1000 Genomes, EVS, ExAC, gnomAD, Indian Exome Database or our in-house exome database. This variant has neither been published in the literature in individuals with LAMA2-related conditions nor reported to the clinical databases like Human Genome Mutation Database (HGMD), ClinVar or OMIM, in any affected individuals. In-silico pathogenicity prediction programs like MutationTaster2, CADD, Varsome, Franklin, InterVar etc predicted this variant to be likely deleterious. This variant creates a premature translational stop signal at the 109th amino acid position of the wild-type transcript that may either result in translation of a truncated protein or cause nonsense mediated decay of the mRNA.